The following is an entry in ClinVar:

ClinVar aggregate classification (germline): Uncertain significance. Review status: criteria provided, multiple submitters, no conflicts (2 of 4 stars). 2 submissions from 2 submitters: Uncertain significance (2). Last evaluated 2025-11-08.

Conditions:
SLC45A1-related disorder. Also called: SLC45A1-related condition.

Allele frequency attached by ClinVar (database versions not stated): TOPMed 0.00002; ExAC 0.00004; gnomAD 0.00004; gnomAD exomes 0.00008.

Submissions (2):

Ambry Genetics
Classification: Uncertain significance. Last evaluated: 2025-11-08. Review status: criteria provided, single submitter. Criteria: Ambry Variant Classification Scheme 2023. Collection method: clinical testing. Allele origin: germline.

PreventionGenetics, part of Exact Sciences
Classification: Uncertain significance for SLC45A1-related condition. Last evaluated: 2023-01-12. Review status: criteria provided, single submitter. Criteria: ACMG Guidelines, 2015. Collection method: clinical testing. Allele origin: germline.
Comment: The SLC45A1 c.1121C>T variant is predicted to result in the amino acid substitution p.Pro374Leu. To our knowledge, this variant has not been reported in the literature. This variant is reported in 0.046% of alleles in individuals of South Asian descent in gnomAD. At this time, the clinical significance of this variant is uncertain due to the absence of conclusive functional and genetic evidence.

NM_001080397.3(SLC45A1):c.1019C>T (p.Pro340Leu)

Gene: SLC45A1 (solute carrier family 45 member 1; plus strand). Cytogenetic location: 1p36.23.
Variant type: single nucleotide variant.
Coding change: c.1019C>T on transcript NM_001080397.3 (MANE Select); coding-DNA position 1019, C replaced by T.
Protein change: p.Pro340Leu; replaces proline 340 with leucine.
Molecular consequence: missense variant.
Genome position (GRCh38, 1-based): chr1:8,330,512, C>T. VCF-style: chr1-8330512-C-T. GRCh37 (hg19) VCF-style: chr1-8390572-C-T.
Other names: c.926C>T, p.Pro309Leu (NM_001379616.1, NM_001379615.1); c.413C>T, p.Pro138Leu (NM_001379617.1, NM_001379618.1); c.1019C>T, p.Pro340Leu (NM_001379614.1); c.1019C>T (NM_001080397.1); short protein forms P138L, P309L, P340L.
Identifiers: ClinVar variation 2636887 (VCV002636887.2), dbSNP rs753490288, ClinGen allele CA570287.